The following is an entry in ClinVar:

NM_001267550.2(TTN):c.98055G>A (p.Glu32685=)

Genes: TTN (titin; minus strand), TTN-AS1 (TTN antisense RNA 1; plus strand). Cytogenetic location: 2q31.2.
Variant type: single nucleotide variant.
Coding change: c.98055G>A on transcript NM_001267550.2 (MANE Select); coding-DNA position 98055, G replaced by A.
Protein change: p.Glu32685=; no amino-acid change (glutamic acid 32685 retained).
Molecular consequence: synonymous variant. On other transcripts: non-coding transcript variant (1).
Genome position (GRCh38, 1-based): chr2:178,540,111, C>T on the plus strand (G>A on the coding strand, the complement: TTN is on the minus strand). VCF-style: chr2-178540111-C-T. GRCh37 (hg19) VCF-style: chr2-179404838-C-T.
Other names: c.70860G>A, p.Glu23620= (NM_003319.4); c.90351G>A, p.Glu30117= (NM_133378.4); c.71235G>A, p.Glu23745= (NM_133432.3); c.71436G>A, p.Glu23812= (NM_133437.4); c.93132G>A, p.Glu31044= (NM_001256850.1).
Identifiers: ClinVar variation 4789832 (VCV004789832.2).

ClinVar aggregate classification (germline): Likely benign. Review status: criteria provided, multiple submitters, no conflicts (2 of 4 stars). 2 submissions from 2 submitters: Likely benign (2). Last evaluated 2026-04-06.

Conditions:
Dilated cardiomyopathy 1G (CMD1G). Identifiers: Orphanet 154, MedGen C1858763, MONDO:0011400, OMIM 604145.
Autosomal recessive limb-girdle muscular dystrophy type 2J (LGMDR10). Also called: Limb-girdle muscular dystrophy, type 2J; MUSCULAR DYSTROPHY, LIMB-GIRDLE, AUTOSOMAL RECESSIVE 10. Identifiers: Orphanet 140922, MedGen C1837342, MONDO:0012127, OMIM 608807.

Submissions (2):

Women's Health and Genetics/Laboratory Corporation of America, LabCorp
Classification: Likely benign. Last evaluated: 2026-04-06. Review status: criteria provided, single submitter. Criteria: LabCorp Variant Classification Summary - May 2015. Collection method: clinical testing. Allele origin: germline.
Comment: Variant summary: TTN c.90351G>A alters a non-conserved nucleotide resulting in a synonymous change. Consensus agreement among computation tools predict no significant impact on normal splicing. However, these predictions have yet to be confirmed by functional studies. The variant was absent in 247416 control chromosomes. The available data on variant occurrences in the general population are insufficient to allow any conclusion about variant significance. To our knowledge, no occurrence of c.90351G>A in individuals affected with TTN-related conditions and no experimental evidence demonstrating its impact on protein function have been reported. ClinVar contains an entry for this variant (Variation ID: 4789832). Based on the evidence outlined above, the variant was classified as likely benign.

Labcorp Genetics (formerly Invitae), Labcorp
Classification: Likely benign for Dilated cardiomyopathy 1G; Autosomal recessive limb-girdle muscular dystrophy type 2J. Last evaluated: 2026-02-02. Review status: criteria provided, single submitter. Criteria: Invitae Variant Classification Sherloc (09022015). Collection method: clinical testing. Allele origin: germline.